The following is an entry in ClinVar:

ClinVar aggregate classification (germline): Uncertain significance (1 of 4 stars; one submission).

Conditions:
Autosomal recessive limb-girdle muscular dystrophy type 2W (MDRCMTT). Also called: Muscular dystrophy, limb-girdle, type 2W; Muscular dystrophy, autosomal recessive, with cardiomyopathy and triangular tongue. Identifiers: MedGen C4225192, MONDO:0014788, OMIM 616827.

gnomAD v4.1: 3 of 1,230,072 alleles (0.00024%); highest among the groups gnomAD compares: Non-Finnish European, 0.0003%; no homozygotes.

Submission:

Labcorp Genetics (formerly Invitae), Labcorp
Classification: Uncertain significance for Autosomal recessive limb-girdle muscular dystrophy type 2W. Last evaluated: 2023-05-12. Review status: criteria provided, single submitter. Criteria: Invitae Variant Classification Sherloc (09022015). Collection method: clinical testing. Allele origin: germline.
Comment: This variant has not been reported in the literature in individuals affected with LIMS2-related conditions. An algorithm developed to predict the effect of missense changes on protein structure and function (PolyPhen-2) suggests that this variant is likely to be tolerated. This variant is not present in population databases (gnomAD no frequency). This sequence change replaces threonine, which is neutral and polar, with arginine, which is basic and polar, at codon 2 of the LIMS2 protein (p.Thr2Arg). In summary, the available evidence is currently insufficient to determine the role of this variant in disease. Therefore, it has been classified as a Variant of Uncertain Significance.

NM_001161403.3(LIMS2):c.5C>G (p.Thr2Arg)

Gene: LIMS2 (LIM zinc finger domain containing 2; minus strand). Cytogenetic location: 2q14.3.
Variant type: single nucleotide variant.
Coding change: c.5C>G on transcript NM_001161403.3 (MANE Select); coding-DNA position 5, C replaced by G.
Protein change: p.Thr2Arg; replaces threonine 2 with arginine.
Molecular consequence: missense variant. On other transcripts: intron variant (1).
Genome position (GRCh38, 1-based): chr2:127,675,020, G>C on the plus strand (C>G on the coding strand, the complement: LIMS2 is on the minus strand). VCF-style: chr2-127675020-G-C. GRCh37 (hg19) VCF-style: chr2-128432594-G-C.
Other names: c.5C>G, p.Thr2Arg (NM_001136037.4); c.-5+6300C>G (NM_001161404.2); short protein forms T2R.
Identifiers: ClinVar variation 2998368 (VCV002998368.3), dbSNP rs1573855115, ClinGen allele CA348418063.